The following is an entry in ClinVar:

ClinVar aggregate classification (germline): Uncertain significance (1 of 4 stars; one submission).

Allele frequency attached by ClinVar (database versions not stated): gnomAD exomes below 0.00001; TOPMed below 0.00001.

Submission:

GeneDx
Classification: Uncertain significance. Last evaluated: 2020-11-13. Review status: criteria provided, single submitter. Criteria: GeneDx Variant Classification Process June 2021. Collection method: clinical testing. Allele origin: germline. Affected: yes.
Comment: Not observed at a significant frequency in large population cohorts (Lek et al., 2016); In silico analysis, which includes protein predictors and evolutionary conservation, supports a deleterious effect; Has not been previously published as pathogenic or benign to our knowledge; Not located in the triple helical region, where the majority of pathogenic missense variants occur (Symoens et al., 2012; Stenson et al., 2014)

NM_000393.5(COL5A2):c.4235T>C (p.Met1412Thr)

Gene: COL5A2 (collagen type V alpha 2 chain; minus strand). Cytogenetic location: 2q32.2.
Variant type: single nucleotide variant.
Coding change: c.4235T>C on transcript NM_000393.5 (MANE Select); coding-DNA position 4235, T replaced by C.
Protein change: p.Met1412Thr; replaces methionine 1412 with threonine.
Molecular consequence: missense variant.
Genome position (GRCh38, 1-based): chr2:189,035,034, A>G on the plus strand (T>C on the coding strand, the complement: COL5A2 is on the minus strand). VCF-style: chr2-189035034-A-G. GRCh37 (hg19) VCF-style: chr2-189899760-A-G.
Other names: short protein forms M1412T.
Identifiers: ClinVar variation 1311291 (VCV001311291.2), dbSNP rs1037904709, ClinGen allele CA62581283.